The following is an entry in ClinVar:

NM_012186.3(FOXE3):c.468C>G (p.Asp156Glu)

Genes: FOXE3 (forkhead box E3; plus strand), LINC01389 (long independently transcribed non-coding RNA 1389; minus strand). Cytogenetic location: 1p33.
Variant type: single nucleotide variant.
Coding change: c.468C>G on transcript NM_012186.3 (MANE Select); coding-DNA position 468, C replaced by G.
Protein change: p.Asp156Glu; replaces aspartic acid 156 with glutamic acid.
Molecular consequence: missense variant.
Genome position (GRCh38, 1-based): chr1:47,416,783, C>G. VCF-style: chr1-47416783-C-G. GRCh37 (hg19) VCF-style: chr1-47882455-C-G.
Other names: short protein forms D156E.
Identifiers: ClinVar variation 4871512 (VCV004871512.1).

ClinVar aggregate classification (germline): Uncertain significance (1 of 4 stars; one submission).

Conditions:
Cardiovascular phenotype. Identifiers: MedGen CN230736.

Submission:

Ambry Genetics
Classification: Uncertain significance for Cardiovascular phenotype. Last evaluated: 2026-05-14. Review status: criteria provided, single submitter. Criteria: Ambry Variant Classification Scheme 2023. Collection method: clinical testing. Allele origin: germline.
Comment: The p.D156E variant (also known as c.468C>G), located in coding exon 1 of the FOXE3 gene, results from a C to G substitution at nucleotide position 468. The aspartic acid at codon 156 is replaced by glutamic acid, an amino acid with highly similar properties. This amino acid position is conserved. In addition, this alteration is predicted to be tolerated by in silico analysis. Based on the available evidence, the clinical significance of this variant remains unclear.